The following is an entry in ClinVar:

NM_004006.3(DMD):c.10797+6_10797+8del

Gene: DMD (dystrophin; minus strand). Cytogenetic location: Xp21.2.
Variant type: Microsatellite.
Coding change: c.10797+6_10797+8del on transcript NM_004006.3 (MANE Select); bases 6 to 8 of the intron after coding-DNA position 10797, 3 bases deleted (GAG; older notation c.10797+6_10797+8delGAG).
Molecular consequence: intron variant.
Genome position (GRCh38, 1-based): chrX:31,147,267-31,147,269, CTC deleted on the plus strand (GAG on the coding strand, the reverse complement: DMD is on the minus strand); deleting any 3 consecutive bases within chrX:31,147,267-31,147,272 gives the same sequence; the c. name uses the placement nearest the transcript's 3' end. VCF-style (leftmost placement, unchanged base first): chrX-31147266-TCTC-T. GRCh37 (hg19) VCF-style: chrX-31165383-TCTC-T.
Other names: c.10797+6_10797+8delGAG (NM_004006.3); c.10773+6_10773+8del (NM_000109.4); c.6774+6_6774+8del (NM_004011.4); c.6765+6_6765+8del (NM_004012.4); c.3087+6_3087+8del (NM_004023.3, NM_004020.4); c.3378+6_3378+8del (NM_004022.3); c.3417+6_3417+8del (NM_004021.3, NM_004013.3); c.2610+6_2610+8del (NM_004014.3); and 4 more.
Identifiers: ClinVar variation 1062557 (VCV001062557.9), dbSNP rs761754676, ClinGen allele CA10377539.

ClinVar aggregate classification (germline): Uncertain significance. Review status: criteria provided, multiple submitters, no conflicts (2 of 4 stars). 3 submissions from 3 submitters: Uncertain significance (2). 1 of the submissions does not count toward it. Last evaluated 2026-04-28.

Conditions:
Cardiomyopathy (CMYO). Also called: Cardiomyopathies. Identifiers: Orphanet 167848, MedGen C0878544, MONDO:0004994, HP:0001638. Inheritance: Various modes of inheritance.
Dystrophin deficiency.
Duchenne muscular dystrophy (DMD). Also called: MUSCULAR DYSTROPHY, PSEUDOHYPERTROPHIC PROGRESSIVE, DUCHENNE TYPE; Duchenne Muscular Dystrophy (DMD). Identifiers: Orphanet 98896, MedGen C0013264, MONDO:0010679, OMIM 310200.
Becker muscular dystrophy (BMD). Also called: Becker Muscular Dystrophy (BMD); MUSCULAR DYSTROPHY, PSEUDOHYPERTROPHIC PROGRESSIVE, BECKER TYPE. Identifiers: Orphanet 98895, MedGen C0917713, MONDO:0010311, OMIM 300376.

Submissions (3):

Women's Health and Genetics/Laboratory Corporation of America, LabCorp
Classification: Uncertain significance. Last evaluated: 2026-04-28. Review status: criteria provided, single submitter. Criteria: LabCorp Variant Classification Summary - May 2015. Collection method: clinical testing. Allele origin: germline.
Comment: Variant summary: DMD c.10797+6_10797+8delGAG alters a nucleotide located close to a canonical splice site and therefore could affect mRNA splicing, leading to a significantly altered protein sequence. Consensus agreement among computation tools predict no significant impact on normal splicing. However, these predictions have yet to be confirmed by functional studies. The variant allele was found at a frequency of 1.1e-05 in 182879 control chromosomes. The available data on variant occurrences in the general population are insufficient to allow any conclusion about variant significance. To our knowledge, no occurrence of c.10797+6_10797+8delGAG in individuals affected with DMD-related conditions and no experimental evidence demonstrating its impact on protein function have been reported. ClinVar contains an entry for this variant (Variation ID: 1062557). Based on the evidence outlined above, the variant was classified as uncertain significance.

Labcorp Genetics (formerly Invitae), Labcorp
Classification: Uncertain significance for Duchenne muscular dystrophy. Last evaluated: 2025-09-08. Review status: criteria provided, single submitter. Criteria: Invitae Variant Classification Sherloc (09022015). Collection method: clinical testing. Allele origin: germline.
Comment: This sequence change falls in intron 75 of the DMD gene. It does not directly change the encoded amino acid sequence of the DMD protein. It affects a nucleotide within the consensus splice site. This variant is not present in population databases (gnomAD no frequency). This variant has not been reported in the literature in individuals affected with DMD-related conditions. Variants that disrupt the consensus splice site are a relatively common cause of aberrant splicing (PMID: 17576681, 9536098). Algorithms developed to predict the effect of sequence changes on RNA splicing suggest that this variant is not likely to affect RNA splicing. In summary, the available evidence is currently insufficient to determine the role of this variant in disease. Therefore, it has been classified as a Variant of Uncertain Significance.

Natera, Inc.
Classification: Uncertain significance for Becker muscular dystrophy; Cardiomyopathy; Duchenne muscular dystrophy; Dystrophin deficiency. Last evaluated: 2018-10-11. Review status: no assertion criteria provided. Collection method: clinical testing. Allele origin: germline. Not counted in ClinVar's aggregate classification.

Literature cited by the submitters: PubMed 17576681 (cited by Labcorp Genetics (formerly Invitae), Labcorp); PubMed 9536098 (cited by Labcorp Genetics (formerly Invitae), Labcorp).